The following is an entry in ClinVar:

ClinVar aggregate classification (germline): Conflicting classifications of pathogenicity. Review status: criteria provided, conflicting classifications (1 of 4 stars). 2 submissions from 2 submitters: Likely pathogenic (1); Uncertain significance (1). Last evaluated 2026-02-10.

Conditions:
Fanconi anemia complementation group O. Also called: RAD51C-Related Fanconi Anemia. Identifiers: Orphanet 84, MedGen C3150653, MONDO:0013248, OMIM 613390.
Hereditary cancer-predisposing syndrome. Also called: Tumor predisposition; Hereditary Cancer Syndrome; Neoplastic Syndromes, Hereditary; Hereditary neoplastic syndrome. Identifiers: Orphanet 140162, MedGen C0027672, MeSH D009386, MONDO:0015356.

Allele frequency attached by ClinVar (database versions not stated): gnomAD 0.00001.

Submissions (2):

Ambry Genetics
Classification: Likely pathogenic for Hereditary cancer-predisposing syndrome. Last evaluated: 2026-02-10. Review status: criteria provided, single submitter. Criteria: Ambry Variant Classification Scheme 2023. Collection method: clinical testing. Allele origin: germline.
Comment: The c.385G>A variant (also known as p.V129I), located in coding exon 2 of the RAD51C gene, results from a G to A substitution at nucleotide position 385. The valine at codon 129 is replaced by isoleucine, an amino acid with highly similar properties. This variant is considered to be rare based on population cohorts in the Genome Aggregation Database (gnomAD). This nucleotide position is well conserved in available vertebrate species. In silico splice site analysis predicts that this alteration may weaken the native splice donor site and will result in the creation or strengthening of a novel splice donor site. RNA studies have demonstrated that this alteration results in abnormal splicing in the set of samples tested (Ambry internal data). Based on the majority of available evidence to date, this variant is likely to be pathogenic.

Labcorp Genetics (formerly Invitae), Labcorp
Classification: Uncertain significance for Fanconi anemia complementation group O. Last evaluated: 2023-03-23. Review status: criteria provided, single submitter. Criteria: Invitae Variant Classification Sherloc (09022015). Collection method: clinical testing. Allele origin: germline.
Comment: In summary, the available evidence is currently insufficient to determine the role of this variant in disease. Therefore, it has been classified as a Variant of Uncertain Significance. Algorithms developed to predict the effect of sequence changes on RNA splicing suggest that this variant may disrupt the consensus splice site. This sequence change replaces valine, which is neutral and non-polar, with isoleucine, which is neutral and non-polar, at codon 129 of the RAD51C protein (p.Val129Ile). This variant is not present in population databases (gnomAD no frequency). This variant has not been reported in the literature in individuals affected with RAD51C-related conditions. ClinVar contains an entry for this variant (Variation ID: 478610). Advanced modeling of protein sequence and biophysical properties (such as structural, functional, and spatial information, amino acid conservation, physicochemical variation, residue mobility, and thermodynamic stability) performed at Invitae indicates that this missense variant is not expected to disrupt RAD51C protein function.

Literature cited by the submitters: PubMed 39299233 (cited by Ambry Genetics).

NM_058216.3(RAD51C):c.385G>A (p.Val129Ile)

Gene: RAD51C (RAD51 paralog C; plus strand). Cytogenetic location: 17q22.
Variant type: single nucleotide variant.
Coding change: c.385G>A on transcript NM_058216.3 (MANE Select); coding-DNA position 385, G replaced by A.
Protein change: p.Val129Ile; replaces valine 129 with isoleucine.
Molecular consequence: missense variant. On other transcripts: non-coding transcript variant (2).
Genome position (GRCh38, 1-based): chr17:58,695,170, G>A. VCF-style: chr17-58695170-G-A. GRCh37 (hg19) VCF-style: chr17-56772531-G-A.
Other names: c.385G>A, p.Val129Ile (NM_002876.4); short protein forms V129I.
Identifiers: ClinVar variation 478610 (VCV000478610.12), dbSNP rs1555593879, ClinGen allele CA400341933.